The following is an entry in ClinVar:

ClinVar aggregate classification (germline): Uncertain significance. Review status: criteria provided, multiple submitters, no conflicts (2 of 4 stars). 3 submissions from 3 submitters: Uncertain significance (3). Last evaluated 2024-05-29.

Conditions:
Inborn genetic diseases. Identifiers: MedGen C0950123, MeSH D030342.
Familial juvenile hyperuricemic nephropathy type 1 (ADTKD1). Also called: Glomerulocystic kidney disease with hyperuricemia and isosthenuria; Medullary cystic kidney disease 2; Autosomal Dominant Tubulointerstitial Kidney Disease – UMOD; UMOD-Associated Kidney Disease; Uromodulin-associated kidney disease. Identifiers: Orphanet 209886, Orphanet 34149, Orphanet 88950, MedGen C4551496, MONDO:0008073, OMIM 162000.

Allele frequency attached by ClinVar (database versions not stated): ExAC 0.00001; gnomAD exomes 0.00001; gnomAD 0.00002; TOPMed 0.00008; 1000 Genomes Project 30x 0.00016; 1000 Genomes Project 0.00020.
gnomAD v4.1: 9 of 1,614,160 alleles (0.00056%); highest among the groups gnomAD compares: Admixed American, 0.013%; no homozygotes.

Submissions (3):

Fulgent Genetics
Classification: Uncertain significance for Familial juvenile hyperuricemic nephropathy type 1. Last evaluated: 2024-05-29. Review status: criteria provided, single submitter. Criteria: ACMG Guidelines, 2015. Collection method: clinical testing. Allele origin: germline.

Ambry Genetics
Classification: Uncertain significance for Inborn genetic diseases. Last evaluated: 2022-05-27. Review status: criteria provided, single submitter. Criteria: Ambry Variant Classification Scheme 2023. Collection method: clinical testing. Allele origin: germline.

Labcorp Genetics (formerly Invitae), Labcorp
Classification: Uncertain significance. Last evaluated: 2022-04-22. Review status: criteria provided, single submitter. Criteria: Invitae Variant Classification Sherloc (09022015). Collection method: clinical testing. Allele origin: germline.
Comment: This sequence change replaces proline, which is neutral and non-polar, with leucine, which is neutral and non-polar, at codon 383 of the UMOD protein (p.Pro383Leu). This variant is present in population databases (rs181197211, gnomAD 0.006%). This variant has not been reported in the literature in individuals affected with UMOD-related conditions. Algorithms developed to predict the effect of missense changes on protein structure and function are either unavailable or do not agree on the potential impact of this missense change (SIFT: "Tolerated"; PolyPhen-2: "Probably Damaging"; Align-GVGD: "Class C0"). In summary, the available evidence is currently insufficient to determine the role of this variant in disease. Therefore, it has been classified as a Variant of Uncertain Significance.

NM_003361.4(UMOD):c.1148C>T (p.Pro383Leu)

Gene: UMOD (uromodulin; minus strand). Cytogenetic location: 16p12.3.
Variant type: single nucleotide variant.
Coding change: c.1148C>T on transcript NM_003361.4 (MANE Select); coding-DNA position 1148, C replaced by T.
Protein change: p.Pro383Leu; replaces proline 383 with leucine.
Molecular consequence: missense variant. On other transcripts: non-coding transcript variant (1).
Genome position (GRCh38, 1-based): chr16:20,346,160, G>A on the plus strand (C>T on the coding strand, the complement: UMOD is on the minus strand). VCF-style: chr16-20346160-G-A. GRCh37 (hg19) VCF-style: chr16-20357482-G-A.
Other names: c.1148C>T, p.Pro383Leu (NM_001008389.3, NM_001378232.1, NM_001378233.1 and 3 more transcripts); c.1247C>T, p.Pro416Leu (NM_001278614.2); short protein forms P383L, P416L.
Identifiers: ClinVar variation 2069839 (VCV002069839.6), dbSNP rs181197211, ClinGen allele CA7939288.